The following is an entry in ClinVar:

NM_002382.5(MAX):c.262C>G (p.Leu88Val)

Gene: MAX (MYC associated transcriptional regulator X; minus strand). Cytogenetic location: 14q23.3.
Variant type: single nucleotide variant.
Coding change: c.262C>G on transcript NM_002382.5 (MANE Select); coding-DNA position 262, C replaced by G.
Protein change: p.Leu88Val; replaces leucine 88 with valine.
Molecular consequence: missense variant. On other transcripts: non-coding transcript variant (7), intron variant (2), 5 prime UTR variant (6).
Genome position (GRCh38, 1-based): chr14:65,077,946, G>C on the plus strand (C>G on the coding strand, the complement: MAX is on the minus strand). VCF-style: chr14-65077946-G-C. GRCh37 (hg19) VCF-style: chr14-65544664-G-C.
Other names: c.144+15762C>G (NM_001271069.2); c.171+15762C>G (NM_197957.4); c.262C>G, p.Leu88Val (NM_001407097.1, NM_001407103.1, NM_001407104.1 and 3 more transcripts); c.154C>G, p.Leu52Val (NM_001407098.1); c.235C>G, p.Leu79Val (NM_001407099.1, NM_001407100.1, NM_001407101.1 and 6 more transcripts); c.-13C>G (NM_001407105.1, NM_001407106.1, NM_001407107.1 and 1 more transcripts); c.-106C>G (NM_001407111.1, NM_001407112.1); short protein forms L52V, L79V, L88V.
Identifiers: ClinVar variation 4885793 (VCV004885793.2).
Genomic context (GRCh38, chr14:65,077,946, plus strand): 5'-AGCTGCCCCACGAGCTCGGGTGCTCACCTTGCTGCTCCAGAAGAGCATTCTGCCGCTTGA[G>C]GTCGTCAATATCTTGCTGGTGTGTGTGGTTTTTCCTTCGCATATACTGGATATATTCTGT-3'
Protein context (NP_002373.3, residues 78-98): NHTHQQDIDD[Leu88Val]KRQNALLEQQ

ClinVar aggregate classification (germline): Uncertain significance (1 of 4 stars; one submission).

Submission:

Dasa
Classification: Uncertain significance. Last evaluated: 2025-06-23. Review status: criteria provided, single submitter. Criteria: DASA Assertion Criteria. Collection method: clinical testing. Allele origin: germline.
Comment: NM_002382.5(MAX):c.262C>G (p.Leu88Val) is a missense variant that results in the substitution of leucine with valine. This variant is absent from population databases. Computational prediction algorithms are consistent with a deleterious effect. The currently available literature and clinical evidence are not sufficient to establish a definitive association between this variant and the reported condition. Therefore, this variant is classified as a variant of uncertain significance.